The following is an entry in ClinVar:

ClinVar aggregate classification (germline): Uncertain significance (1 of 4 stars; one submission).

Allele frequency attached by ClinVar (database versions not stated): gnomAD 0.00001; gnomAD exomes 0.00001; TOPMed 0.00002; ExAC 0.00003.

Submission:

Labcorp Genetics (formerly Invitae), Labcorp
Classification: Uncertain significance. Last evaluated: 2023-08-29. Review status: criteria provided, single submitter. Criteria: Invitae Variant Classification Sherloc (09022015). Collection method: clinical testing. Allele origin: germline.
Comment: This sequence change replaces alanine, which is neutral and non-polar, with threonine, which is neutral and polar, at codon 97 of the TUBB1 protein (p.Ala97Thr). This variant is present in population databases (rs764729109, gnomAD 0.02%). This variant has not been reported in the literature in individuals affected with TUBB1-related conditions. Advanced modeling of protein sequence and biophysical properties (such as structural, functional, and spatial information, amino acid conservation, physicochemical variation, residue mobility, and thermodynamic stability) performed at Invitae indicates that this missense variant is not expected to disrupt TUBB1 protein function. In summary, the available evidence is currently insufficient to determine the role of this variant in disease. Therefore, it has been classified as a Variant of Uncertain Significance.

NM_030773.4(TUBB1):c.289G>A (p.Ala97Thr)

Gene: TUBB1 (tubulin beta 1 class VI; plus strand). Cytogenetic location: 20q13.32.
Variant type: single nucleotide variant.
Coding change: c.289G>A on transcript NM_030773.4 (MANE Select); coding-DNA position 289, G replaced by A.
Protein change: p.Ala97Thr; replaces alanine 97 with threonine.
Molecular consequence: missense variant.
Genome position (GRCh38, 1-based): chr20:59,023,716, G>A. VCF-style: chr20-59023716-G-A. GRCh37 (hg19) VCF-style: chr20-57598771-G-A.
Other names: short protein forms A97T.
Identifiers: ClinVar variation 2792926 (VCV002792926.1), dbSNP rs764729109, ClinGen allele CA9928471.